The following is an entry in ClinVar:

ClinVar aggregate classification (germline): Likely benign (0 of 4 stars; one submission).

Conditions:
ATP2C2-related disorder. Also called: ATP2C2-related condition.

Allele frequency attached by ClinVar (database versions not stated): ESP Exome Variant Server 0.00016; ExAC 0.00021; gnomAD 0.00021; TOPMed 0.00036; 1000 Genomes Project 0.00040; 1000 Genomes Project 30x 0.00047.
gnomAD v4.1: 245 of 1,614,190 alleles (0.015%); highest among the groups gnomAD compares: Middle Eastern, 0.13%; no homozygotes.

Submission:

PreventionGenetics, part of Exact Sciences
Classification: Likely benign for ATP2C2-related condition. Last evaluated: 2019-09-19. Review status: no assertion criteria provided. Collection method: clinical testing. Allele origin: germline.
Comment: This variant is classified as likely benign based on ACMG/AMP sequence variant interpretation guidelines (Richards et al. 2015 PMID: 25741868, with internal and published modifications).

NM_014861.4(ATP2C2):c.1980+6C>T

Gene: ATP2C2 (ATPase secretory pathway Ca2+ transporting 2; plus strand). Cytogenetic location: 16q24.1.
Variant type: single nucleotide variant.
Coding change: c.1980+6C>T on transcript NM_014861.4 (MANE Select); 6 bases into the intron after coding-DNA position 1980, C replaced by T.
Molecular consequence: intron variant.
Genome position (GRCh38, 1-based): chr16:84,453,377, C>T. VCF-style: chr16-84453377-C-T. GRCh37 (hg19) VCF-style: chr16-84486983-C-T.
Other names: c.1980+6C>T (NM_001286527.3); c.1527+6C>T (NM_001291454.2).
Identifiers: ClinVar variation 3040293 (VCV003040293.2), dbSNP rs181503610, ClinGen allele CA8207793.